The following is an entry in ClinVar:

NM_001012339.3(DNAJC21):c.1247A>T (p.Asp416Val)

Gene: DNAJC21 (DnaJ heat shock protein family (Hsp40) member C21; plus strand). Cytogenetic location: 5p13.2.
Variant type: single nucleotide variant.
Coding change: c.1247A>T on transcript NM_001012339.3 (MANE Select); coding-DNA position 1247, A replaced by T.
Protein change: p.Asp416Val; replaces aspartic acid 416 with valine.
Molecular consequence: missense variant.
Genome position (GRCh38, 1-based): chr5:34,950,231, A>T. VCF-style: chr5-34950231-A-T. GRCh37 (hg19) VCF-style: chr5-34950336-A-T.
Other names: c.1286A>T, p.Asp429Val (NM_001348420.2); c.1382A>T, p.Asp461Val (NM_194283.4); short protein forms D429V, D416V, D461V.
Identifiers: ClinVar variation 2009342 (VCV002009342.4), dbSNP rs2480655901, ClinGen allele CA359422667.

ClinVar aggregate classification (germline): Uncertain significance (1 of 4 stars; one submission).

Submission:

Labcorp Genetics (formerly Invitae), Labcorp
Classification: Uncertain significance. Last evaluated: 2022-06-22. Review status: criteria provided, single submitter. Criteria: Invitae Variant Classification Sherloc (09022015). Collection method: clinical testing. Allele origin: germline.
Comment: This sequence change replaces aspartic acid, which is acidic and polar, with valine, which is neutral and non-polar, at codon 416 of the DNAJC21 protein (p.Asp416Val). This variant is not present in population databases (gnomAD no frequency). This variant has not been reported in the literature in individuals affected with DNAJC21-related conditions. Algorithms developed to predict the effect of missense changes on protein structure and function are either unavailable or do not agree on the potential impact of this missense change (SIFT: "Deleterious"; PolyPhen-2: "Benign"; Align-GVGD: "Class C0"). In summary, the available evidence is currently insufficient to determine the role of this variant in disease. Therefore, it has been classified as a Variant of Uncertain Significance.